The following is an entry in ClinVar:

NM_006035.4(CDC42BPB):c.509A>G (p.Asp170Gly)

Gene: CDC42BPB (CDC42 binding protein kinase beta; minus strand). Cytogenetic location: 14q32.32.
Variant type: single nucleotide variant.
Coding change: c.509A>G on transcript NM_006035.4 (MANE Select); coding-DNA position 509, A replaced by G.
Protein change: p.Asp170Gly; replaces aspartic acid 170 with glycine.
Molecular consequence: missense variant.
Genome position (GRCh38, 1-based): chr14:102,999,652, T>C on the plus strand (A>G on the coding strand, the complement: CDC42BPB is on the minus strand). VCF-style: chr14-102999652-T-C. GRCh37 (hg19) VCF-style: chr14-103465989-T-C.
Other names: c.509A>G, p.Asp170Gly (NM_001411054.1); short protein forms D170G.
Identifiers: ClinVar variation 3572798 (VCV003572798.1).

ClinVar aggregate classification (germline): Uncertain significance (1 of 4 stars; one submission).

Submission:

GeneDx
Classification: Uncertain significance. Last evaluated: 2024-07-12. Review status: criteria provided, single submitter. Criteria: GeneDx Variant Classification Process June 2021. Collection method: clinical testing. Allele origin: germline. Affected: yes.
Comment: Not observed at significant frequency in large population cohorts (gnomAD); In silico analysis supports that this missense variant has a deleterious effect on protein structure/function; Has not been previously published as pathogenic or benign to our knowledge